The following is an entry in ClinVar:

ClinVar aggregate classification (germline): Uncertain significance (1 of 4 stars; one submission).

Conditions:
RYR1-related disorder. Also called: RYR1-related condition; RYR1-related disorders. Identifiers: MedGen CN239331.

Submission:

Labcorp Genetics (formerly Invitae), Labcorp
Classification: Uncertain significance for RYR1-related disorder. Last evaluated: 2022-01-13. Review status: criteria provided, single submitter. Criteria: Invitae Variant Classification Sherloc (09022015). Collection method: clinical testing. Allele origin: germline.
Comment: This sequence change replaces histidine, which is basic and polar, with leucine, which is neutral and non-polar, at codon 4155 of the RYR1 protein (p.His4155Leu). This variant is not present in population databases (gnomAD no frequency). This variant has not been reported in the literature in individuals affected with RYR1-related conditions. Algorithms developed to predict the effect of missense changes on protein structure and function (SIFT, PolyPhen-2, Align-GVGD) all suggest that this variant is likely to be tolerated. In summary, the available evidence is currently insufficient to determine the role of this variant in disease. Therefore, it has been classified as a Variant of Uncertain Significance.

NM_000540.3(RYR1):c.12464A>T (p.His4155Leu)

Gene: RYR1 (ryanodine receptor 1; plus strand). Cytogenetic location: 19q13.2.
Variant type: single nucleotide variant.
Coding change: c.12464A>T on transcript NM_000540.3 (MANE Select); coding-DNA position 12464, A replaced by T.
Protein change: p.His4155Leu; replaces histidine 4155 with leucine.
Molecular consequence: missense variant.
Genome position (GRCh38, 1-based): chr19:38,561,294, A>T. VCF-style: chr19-38561294-A-T. GRCh37 (hg19) VCF-style: chr19-39051934-A-T.
Other names: c.12449A>T, p.His4150Leu (NM_001042723.2); short protein forms H4150L, H4155L.
Identifiers: ClinVar variation 2180126 (VCV002180126.1), dbSNP rs2514653283, ClinGen allele CA405669090.